The following is an entry in ClinVar:

ClinVar aggregate classification (germline): Uncertain significance (1 of 4 stars; one submission).

Conditions:
Hyperphosphatasia with impaired intellectual development syndrome 2. Also called: Hyperphosphatasia with intellectual disability syndrome 2; GLYCOSYLPHOSPHATIDYLINOSITOL BIOSYNTHESIS DEFECT 6. Identifiers: Orphanet 247262, MedGen C3553637, MONDO:0013882, OMIM 614749.

Allele frequency attached by ClinVar (database versions not stated): gnomAD exomes below 0.00001.
gnomAD v4.1: 1 of 1,614,188 alleles (0.000062%); highest among the groups gnomAD compares: Non-Finnish European, 0.000085%; no homozygotes.

Submission:

Labcorp Genetics (formerly Invitae), Labcorp
Classification: Uncertain significance for Hyperphosphatasia with impaired intellectual development syndrome 2. Last evaluated: 2021-09-21. Review status: criteria provided, single submitter. Criteria: Invitae Variant Classification Sherloc (09022015). Collection method: clinical testing. Allele origin: germline.
Comment: This sequence change replaces threonine with alanine at codon 601 of the PIGO protein (p.Thr601Ala). The threonine residue is weakly conserved and there is a small physicochemical difference between threonine and alanine. This variant is not present in population databases (ExAC no frequency). This variant has not been reported in the literature in individuals affected with PIGO-related conditions. Algorithms developed to predict the effect of missense changes on protein structure and function output the following: SIFT: "Tolerated"; PolyPhen-2: "Benign"; Align-GVGD: "Class C0". The alanine amino acid residue is found in multiple mammalian species, which suggests that this missense change does not adversely affect protein function. In summary, the available evidence is currently insufficient to determine the role of this variant in disease. Therefore, it has been classified as a Variant of Uncertain Significance.

NM_032634.4(PIGO):c.1801A>G (p.Thr601Ala)

Gene: PIGO (phosphatidylinositol glycan anchor biosynthesis class O; minus strand). Cytogenetic location: 9p13.3.
Variant type: single nucleotide variant.
Coding change: c.1801A>G on transcript NM_032634.4 (MANE Select); coding-DNA position 1801, A replaced by G.
Protein change: p.Thr601Ala; replaces threonine 601 with alanine.
Molecular consequence: missense variant. On other transcripts: intron variant (2).
Genome position (GRCh38, 1-based): chr9:35,092,086, T>C on the plus strand (A>G on the coding strand, the complement: PIGO is on the minus strand). VCF-style: chr9-35092086-T-C. GRCh37 (hg19) VCF-style: chr9-35092083-T-C.
Other names: c.1344+457A>G (NM_152850.4, NM_001201484.2); short protein forms T601A.
Identifiers: ClinVar variation 1467585 (VCV001467585.6), dbSNP rs2131075982, ClinGen allele CA373321385.